The following is an entry in ClinVar:

NM_001256627.2(BRSK2):c.898C>A (p.Pro300Thr)

Gene: BRSK2 (BR serine/threonine kinase 2; plus strand). Cytogenetic location: 11p15.5.
Variant type: single nucleotide variant.
Coding change: c.898C>A on transcript NM_001256627.2 (MANE Select); coding-DNA position 898, C replaced by A.
Protein change: p.Pro300Thr; replaces proline 300 with threonine.
Molecular consequence: missense variant. On other transcripts: non-coding transcript variant (1).
Genome position (GRCh38, 1-based): chr11:1,445,379, C>A. VCF-style: chr11-1445379-C-A. GRCh37 (hg19) VCF-style: chr11-1466609-C-A.
Other names: c.898C>A, p.Pro300Thr (NM_001256629.2, NM_003957.4); c.1036C>A, p.Pro346Thr (NM_001256630.1); c.718C>A, p.Pro240Thr (NM_001282218.2); short protein forms P240T, P300T, P346T.
Identifiers: ClinVar variation 3135168 (VCV003135168.1), dbSNP rs1851889439, ClinGen allele CA379060569.

ClinVar aggregate classification (germline): Uncertain significance (1 of 4 stars; one submission).

Conditions:
Inborn genetic diseases. Identifiers: MedGen C0950123, MeSH D030342.

Submission:

Ambry Genetics
Classification: Uncertain significance for Inborn genetic diseases. Last evaluated: 2023-10-30. Review status: criteria provided, single submitter. Criteria: Ambry Variant Classification Scheme 2023. Collection method: clinical testing. Allele origin: germline.
Comment: The c.898C>A (p.P300T) alteration is located in exon 10 (coding exon 10) of the BRSK2 gene. This alteration results from a C to A substitution at nucleotide position 898, causing the proline (P) at amino acid position 300 to be replaced by a threonine (T). This variant was not reported in population-based cohorts in the Genome Aggregation Database (gnomAD). This amino acid position is highly conserved in available vertebrate species. This missense alteration is located in a region that has a low rate of benign missense variation (Lek, 2016; Firth, 2009). The in silico prediction for this alteration is inconclusive. Based on insufficient or conflicting evidence, the clinical significance of this alteration remains unclear.